The following is an entry in ClinVar:

NM_000744.7(CHRNA4):c.487A>G (p.Ile163Val)

Gene: CHRNA4 (cholinergic receptor nicotinic alpha 4 subunit; minus strand). Cytogenetic location: 20q13.33.
Variant type: single nucleotide variant.
Coding change: c.487A>G on transcript NM_000744.7 (MANE Select); coding-DNA position 487, A replaced by G.
Protein change: p.Ile163Val; replaces isoleucine 163 with valine.
Molecular consequence: missense variant. On other transcripts: 5 prime UTR variant (1), non-coding transcript variant (1).
Genome position (GRCh38, 1-based): chr20:63,350,924, T>C on the plus strand (A>G on the coding strand, the complement: CHRNA4 is on the minus strand). VCF-style: chr20-63350924-T-C. GRCh37 (hg19) VCF-style: chr20-61982276-T-C.
Other names: c.-42A>G (NM_001256573.2); short protein forms I163V.
Identifiers: ClinVar variation 3382943 (VCV003382943.2).

ClinVar aggregate classification (germline): Uncertain significance (1 of 4 stars; one submission).

Conditions:
Tobacco addiction, susceptibility to. Also called: CIGARETTE HABITUATION, SUSCEPTIBILITY TO. Identifiers: MedGen C1861063, MONDO:0100460, OMIM 188890.
Autosomal dominant nocturnal frontal lobe epilepsy 1. Also called: EPILEPSY, NOCTURNAL FRONTAL LOBE, TYPE 1; CHRNA4-Related Nocturnal Frontal Lobe Epilepsy, Autosomal Dominant. Identifiers: Orphanet 98784, MedGen C1838049, MONDO:0010899, OMIM 600513.

Submission:

Juno Genomics, Hangzhou Juno Genomics, Inc
Classification: Uncertain significance for Autosomal dominant nocturnal frontal lobe epilepsy 1; Tobacco addiction, susceptibility to. Review status: criteria provided, single submitter. Criteria: ACMG Guidelines, 2015. Collection method: clinical testing. Allele origin: germline. Affected: yes.
Comment: Absent from controls (or at extremely low frequency if recessive) in Genome Aggregation Database, Exome Sequencing Project, 1000 Genomes Project, or Exome Aggregation Consortium.